The following is an entry in ClinVar:

ClinVar aggregate classification (germline): Uncertain significance. Review status: criteria provided, single submitter (1 of 4 stars). 2 submissions from 2 submitters: Uncertain significance (1). 1 of the submissions does not count toward it. Last evaluated 2025-09-21.

Allele frequency attached by ClinVar (database versions not stated): gnomAD 0.00009; TOPMed 0.00013.
gnomAD v4.1: 19 of 1,610,340 alleles (0.0012%); highest among the groups gnomAD compares: Admixed American, 0.023%; no homozygotes.

Submissions (2):

Labcorp Genetics (formerly Invitae), Labcorp
Classification: Uncertain significance. Last evaluated: 2025-09-21. Review status: criteria provided, single submitter. Criteria: Invitae Variant Classification Sherloc (09022015). Collection method: clinical testing. Allele origin: germline.
Comment: This sequence change replaces valine, which is neutral and non-polar, with alanine, which is neutral and non-polar, at codon 567 of the JAK2 protein (p.Val567Ala). This variant is present in population databases (rs587778408, gnomAD 0.006%). This variant has not been reported in the literature in individuals affected with JAK2-related conditions. ClinVar contains an entry for this variant (Variation ID: 134550). Invitae Evidence Modeling of protein sequence and biophysical properties (such as structural, functional, and spatial information, amino acid conservation, physicochemical variation, residue mobility, and thermodynamic stability) indicates that this missense variant is not expected to disrupt JAK2 protein function with a negative predictive value of 80%. In summary, the available evidence is currently insufficient to determine the role of this variant in disease. Therefore, it has been classified as a Variant of Uncertain Significance.

ITMI
No classification provided. Condition: AllHighlyPenetrant. Last evaluated: 2013-09-19. Review status: no classification provided. Collection method: reference population. Allele origin: germline. Not counted in ClinVar's aggregate classification.
Comment: Please see associated publication for description of ethnicities

Literature cited by the submitters: PubMed 24728327 (cited by ITMI).

NM_004972.4(JAK2):c.1700T>C (p.Val567Ala)

Genes: INSL6 (insulin like 6; minus strand), JAK2 (Janus kinase 2; plus strand). Cytogenetic location: 9p24.1.
Variant type: single nucleotide variant.
Coding change: c.1700T>C on transcript NM_004972.4 (MANE Select); coding-DNA position 1700, T replaced by C.
Protein change: p.Val567Ala; replaces valine 567 with alanine.
Molecular consequence: missense variant. On other transcripts: non-coding transcript variant (2).
Genome position (GRCh38, 1-based): chr9:5,072,550, T>C. VCF-style: chr9-5072550-T-C. GRCh37 (hg19) VCF-style: chr9-5072550-T-C.
Other names: c.1700T>C, p.Val567Ala (NM_001322194.2, NM_001322195.2, NM_001322196.2); c.485T>C, p.Val162Ala (NM_001322198.2, NM_001322199.2); c.1253T>C, p.Val418Ala (NM_001322204.2); short protein forms V567A, V162A, V418A.
Identifiers: ClinVar variation 134550 (VCV000134550.4), dbSNP rs587778408, ClinGen allele CA160156.